The following is an entry in ClinVar:

NM_001035.3(RYR2):c.10105T>C (p.Phe3369Leu)

Gene: RYR2 (ryanodine receptor 2; plus strand). Cytogenetic location: 1q43.
Variant type: single nucleotide variant.
Coding change: c.10105T>C on transcript NM_001035.3 (MANE Select); coding-DNA position 10105, T replaced by C.
Protein change: p.Phe3369Leu; replaces phenylalanine 3369 with leucine.
Molecular consequence: missense variant.
Genome position (GRCh38, 1-based): chr1:237,709,061, T>C. VCF-style: chr1-237709061-T-C. GRCh37 (hg19) VCF-style: chr1-237872361-T-C.
Other names: short protein forms F3369L.
Identifiers: ClinVar variation 2140644 (VCV002140644.2), dbSNP rs1306067032, ClinGen allele CA345411156.

ClinVar aggregate classification (germline): Uncertain significance. Review status: criteria provided, multiple submitters, no conflicts (2 of 4 stars). 2 submissions from 2 submitters: Uncertain significance (2). Last evaluated 2024-05-30.

Conditions:
Catecholaminergic polymorphic ventricular tachycardia (CVPT). Also called: Catecholamine-induced polymorphic ventricular tachycardia. Identifiers: Orphanet 3286, MedGen C5574922, MONDO:0017990.
Catecholaminergic polymorphic ventricular tachycardia 1. Also called: VENTRICULAR TACHYCARDIA, STRESS-INDUCED POLYMORPHIC 1; VENTRICULAR TACHYCARDIA, CATECHOLAMINERGIC POLYMORPHIC, 1, WITH OR WITHOUT ATRIAL DYSFUNCTION AND/OR DILATED CARDIOMYOPATHY; RYR2-Related Catecholaminergic Polymorphic Ventricular Tachycardia. Identifiers: Orphanet 3286, MedGen C1631597, MONDO:0011484, OMIM 604772.

Allele frequency attached by ClinVar (database versions not stated): gnomAD exomes below 0.00001; TOPMed below 0.00001.
gnomAD v4.1: 2 of 1,601,588 alleles (0.00012%); highest among the groups gnomAD compares: Non-Finnish European, 0.00017%; no homozygotes.

Submissions (2):

All of Us Research Program, National Institutes of Health
Classification: Uncertain significance for Catecholaminergic polymorphic ventricular tachycardia. Last evaluated: 2024-05-30. Review status: criteria provided, single submitter. Criteria: ACMG Guidelines, 2015. Collection method: clinical testing. Allele origin: germline. Inheritance: Autosomal dominant inheritance. Observed: 1 variant allele, 1 heterozygote.
Comment: This missense variant replaces phenylalanine with leucine at codon 3369 of the RYR2 protein. Computational prediction is inconclusive regarding the impact of this variant on protein structure and function (internally defined REVEL score threshold 0.5 < inconclusive < 0.7, PMID: 27666373). To our knowledge, functional studies have not been reported for this variant. This variant has not been reported in individuals affected with RYR2-related disorders in the literature. This variant has been identified in 2/243426 chromosomes in the general population by the Genome Aggregation Database (gnomAD). The available evidence is insufficient to determine the role of this variant in disease conclusively. Therefore, this variant is classified as a Variant of Uncertain Significance.

This study involves interpretation of variants in research participants for the purpose of population health screening. Participant phenotype was not available at the time of variant classification. Additional details can be found in publication PMID: 35346344, PMCID: PMC8962531

Labcorp Genetics (formerly Invitae), Labcorp
Classification: Uncertain significance for Catecholaminergic polymorphic ventricular tachycardia 1. Last evaluated: 2021-12-24. Review status: criteria provided, single submitter. Criteria: Invitae Variant Classification Sherloc (09022015). Collection method: clinical testing. Allele origin: germline.
Comment: This sequence change replaces phenylalanine, which is neutral and non-polar, with leucine, which is neutral and non-polar, at codon 3369 of the RYR2 protein (p.Phe3369Leu). This variant is present in population databases (no rsID available, gnomAD 0.002%). This variant has not been reported in the literature in individuals affected with RYR2-related conditions. Algorithms developed to predict the effect of missense changes on protein structure and function are either unavailable or do not agree on the potential impact of this missense change (SIFT: "Deleterious"; PolyPhen-2: "Benign"; Align-GVGD: "Class C15"). In summary, the available evidence is currently insufficient to determine the role of this variant in disease. Therefore, it has been classified as a Variant of Uncertain Significance.